The following is an entry in ClinVar:

NM_018896.5(CACNA1G):c.7088T>C (p.Leu2363Pro)

Gene: CACNA1G (calcium voltage-gated channel subunit alpha1 G; plus strand). Cytogenetic location: 17q21.33.
Variant type: single nucleotide variant.
Coding change: c.7088T>C on transcript NM_018896.5 (MANE Select); coding-DNA position 7088, T replaced by C.
Protein change: p.Leu2363Pro; replaces leucine 2363 with proline.
Molecular consequence: missense variant. On other transcripts: non-coding transcript variant (5).
Genome position (GRCh38, 1-based): chr17:50,626,705, T>C. VCF-style: chr17-50626705-T-C. GRCh37 (hg19) VCF-style: chr17-48704066-T-C.
Other names: c.6899T>C, p.Leu2300Pro (NM_001256324.2); c.6830T>C, p.Leu2277Pro (NM_001256325.2); c.6818T>C, p.Leu2273Pro (NM_001256326.2); c.6788T>C, p.Leu2263Pro (NM_001256327.2); c.6734T>C, p.Leu2245Pro (NM_001256328.2); c.6707T>C, p.Leu2236Pro (NM_001256329.2, NM_198387.3); c.6674T>C, p.Leu2225Pro (NM_001256330.2); c.6653T>C, p.Leu2218Pro (NM_001256331.2); and 18 more; short protein forms L2234P, L2236P, L2263P, L2277P, L2307P, L2180P, L2225P, L2259P.
Identifiers: ClinVar variation 1033913 (VCV001033913.1), dbSNP rs2053882218, ClinGen allele CA400241402.
Genomic context (GRCh38, chr17:50,626,705, plus strand): 5'-CCTTGGCCTCTGGCCCCCCTGACAGCATGGCTGCCTCGCCCTCCCCAAAGAAAGATGTGC[T>C]GAGTCTCTCCGGTTTATCCTCTGACCCAGCAGACCTGGACCCCTGAGTCCTGCCCCACTT-3'
Protein context (NP_061496.2, residues 2353-2373): AASPSPKKDV[Leu2363Pro]SLSGLSSDPA

ClinVar aggregate classification (germline): Uncertain significance (1 of 4 stars; one submission).

Conditions:
Spinocerebellar ataxia type 42. Identifiers: Orphanet 458803, MedGen C4225205, MONDO:0014776, OMIM 616795.

Submission:

Baylor Genetics
Classification: Uncertain significance for Spinocerebellar ataxia type 42. Last evaluated: 2018-05-18. Review status: criteria provided, single submitter. Criteria: ACMG Guidelines, 2015. Collection method: clinical testing. Allele origin: unknown. Affected: yes.
Comment: This variant was determined to be of uncertain significance according to ACMG Guidelines, 2015 [PMID:25741868].